The following is an entry in ClinVar:

ClinVar aggregate classification (germline): Uncertain significance. Review status: criteria provided, multiple submitters, no conflicts (2 of 4 stars). 2 submissions from 2 submitters: Uncertain significance (2). Last evaluated 2024-08-08.

Conditions:
Inborn genetic diseases. Identifiers: MedGen C0950123, MeSH D030342.

Allele frequency attached by ClinVar (database versions not stated): gnomAD 0.00001; gnomAD exomes 0.00001; TOPMed 0.00001.
gnomAD v4.1: 4 of 1,614,026 alleles (0.00025%); highest among the groups gnomAD compares: Admixed American, 0.005%; no homozygotes.

Submissions (2):

Labcorp Genetics (formerly Invitae), Labcorp
Classification: Uncertain significance. Last evaluated: 2024-08-08. Review status: criteria provided, single submitter. Criteria: Invitae Variant Classification Sherloc (09022015). Collection method: clinical testing. Allele origin: germline.
Comment: This sequence change replaces aspartic acid, which is acidic and polar, with glutamic acid, which is acidic and polar, at codon 741 of the BNC2 protein (p.Asp741Glu). This variant is present in population databases (no rsID available, gnomAD 0.003%). This variant has not been reported in the literature in individuals affected with BNC2-related conditions. ClinVar contains an entry for this variant (Variation ID: 2407440). An algorithm developed to predict the effect of missense changes on protein structure and function outputs the following: PolyPhen-2: "Benign". The glutamic acid amino acid residue is found in multiple mammalian species, which suggests that this missense change does not adversely affect protein function. In summary, the available evidence is currently insufficient to determine the role of this variant in disease. Therefore, it has been classified as a Variant of Uncertain Significance.

Ambry Genetics
Classification: Uncertain significance for Inborn genetic diseases. Last evaluated: 2022-05-26. Review status: criteria provided, single submitter. Criteria: Ambry Variant Classification Scheme 2023. Collection method: clinical testing. Allele origin: germline.

NM_017637.6(BNC2):c.2223T>G (p.Asp741Glu)

Genes: BNC2 (basonuclin zinc finger protein 2; minus strand), LOC126860585 (MED14-independent group 3 enhancer GRCh37_chr9:16435259-16436458; plus strand). Cytogenetic location: 9p22.3.
Variant type: single nucleotide variant.
Coding change: c.2223T>G on transcript NM_017637.6 (MANE Select); coding-DNA position 2223, T replaced by G.
Protein change: p.Asp741Glu; replaces aspartic acid 741 with glutamic acid.
Molecular consequence: missense variant.
Genome position (GRCh38, 1-based): chr9:16,435,971, A>C on the plus strand (T>G on the coding strand, the complement: BNC2 is on the minus strand). VCF-style: chr9-16435971-A-C. GRCh37 (hg19) VCF-style: chr9-16435969-A-C.
Other names: c.2097T>G, p.Asp699Glu (NM_001317939.2); c.1938T>G, p.Asp646Glu (NM_001317940.2); short protein forms D699E, D646E, D741E.
Identifiers: ClinVar variation 2407440 (VCV002407440.4), dbSNP rs1245740622, ClinGen allele CA372991193.
Genomic context (GRCh38, chr9:16,435,971, plus strand): 5'-CTCATCAGGCCTCTCACTATTCATCAGGACTTTTTCACTCACTTCGCTGTGAATGTGCTC[A>C]TCCCCTTCCATGGATTCCTCGCCCAGTTTGGGCTCCGAAGACTCAGACTCGTTCTCATAG-3'
Protein context (NP_060107.3, residues 731-751): PKLGEESMEG[Asp741Glu]EHIHSEVSEK